The following is an entry in ClinVar:

ClinVar aggregate classification (germline): Conflicting classifications of pathogenicity. Review status: criteria provided, conflicting classifications (1 of 4 stars). 2 submissions from 2 submitters: Uncertain significance (1); Likely benign (1). Last evaluated 2026-05-06.

Conditions:
Inborn genetic diseases. Identifiers: MedGen C0950123, MeSH D030342.
VSX1-related disorder. Also called: VSX1-related condition.

Allele frequency attached by ClinVar (database versions not stated): 1000 Genomes Project 30x 0.00016.
gnomAD v4.1: 145 of 1,503,084 alleles (0.0096%); highest among the groups gnomAD compares: African/African-American, 0.2%; no homozygotes.

Submissions (2):

PreventionGenetics, part of Exact Sciences
Classification: Likely benign for VSX1-related condition. Last evaluated: 2026-05-06. Review status: criteria provided, single submitter. Criteria: ACMG Guidelines, 2015. Collection method: clinical testing. Allele origin: germline.
Comment: This variant is classified as likely benign based on ACMG/AMP sequence variant interpretation guidelines (Richards et al. 2015 PMID: 25741868, with internal and published modifications).

Ambry Genetics
Classification: Uncertain significance for Inborn genetic diseases. Last evaluated: 2021-10-12. Review status: criteria provided, single submitter. Criteria: Ambry Variant Classification Scheme 2023. Collection method: clinical testing. Allele origin: germline.

NM_014588.6(VSX1):c.289C>G (p.Arg97Gly)

Gene: VSX1 (visual system homeobox 1; minus strand). Cytogenetic location: 20p11.21.
Variant type: single nucleotide variant.
Coding change: c.289C>G on transcript NM_014588.6 (MANE Select); coding-DNA position 289, C replaced by G.
Protein change: p.Arg97Gly; replaces arginine 97 with glycine.
Molecular consequence: missense variant. On other transcripts: non-coding transcript variant (2).
Genome position (GRCh38, 1-based): chr20:25,081,808, G>C on the plus strand (C>G on the coding strand, the complement: VSX1 is on the minus strand). VCF-style: chr20-25081808-G-C. GRCh37 (hg19) VCF-style: chr20-25062444-G-C.
Other names: c.289C>G, p.Arg97Gly (NM_001256271.2, NM_001256272.2, NM_199425.3); c.289C>G (NM_014588.5); short protein forms R97G.
Identifiers: ClinVar variation 3189185 (VCV003189185.2), dbSNP rs767409772, ClinGen allele CA9793682.
Genomic context (GRCh38, chr20:25,081,808, plus strand): 5'-CGGGCTCGGGGCCCCTGGGCGGCAGGAACGGCACGTCCGCTAGGAGCAGGCAGGGTGCTC[G>C]AGCGGCCGCCGGCGGCTGCGTGCCGAAGCCACAGAGGAGGCCGAGTCCCAGCGGTAGGGC-3'
Protein context (NP_055403.2, residues 87-107): GFGTQPPAAA[Arg97Gly]APCLLLADVP